The following is an entry in ClinVar:

NM_001367561.1(DOCK7):c.3497A>G (p.Gln1166Arg)

Gene: DOCK7 (dedicator of cytokinesis 7; minus strand). Cytogenetic location: 1p31.3.
Variant type: single nucleotide variant.
Coding change: c.3497A>G on transcript NM_001367561.1 (MANE Select); coding-DNA position 3497, A replaced by G.
Protein change: p.Gln1166Arg; replaces glutamine 1166 with arginine.
Molecular consequence: missense variant.
Genome position (GRCh38, 1-based): chr1:62,535,607, T>C on the plus strand (A>G on the coding strand, the complement: DOCK7 is on the minus strand). VCF-style: chr1-62535607-T-C. GRCh37 (hg19) VCF-style: chr1-63001278-T-C.
Other names: c.3497A>G, p.Gln1166Arg (NM_001271999.2, NM_001330614.2); c.3404A>G, p.Gln1135Arg (NM_001272000.2, NM_001272001.2, NM_033407.4); short protein forms Q1166R, Q1135R.
Identifiers: ClinVar variation 1045864 (VCV001045864.9), dbSNP rs1645319310, ClinGen allele CA340605069.
Genomic context (GRCh38, chr1:62,535,607, plus strand): 5'-AAATAATGCTGTTGGCGGAAAGGCACGGATAATTCAAACATATTTGCAATCTTTTGGTCT[T>C]GTACATTCGTAGAAAATCCAGAACTCTGTTGGAAAGTGAGGCAGAACAAGACTATAACAG-3'
Protein context (NP_001354490.1, residues 1156-1176): SQSSGFSTNV[Gln1166Arg]DQKIANMFEL

ClinVar aggregate classification (germline): Uncertain significance (1 of 4 stars; one submission).

Conditions:
Developmental and epileptic encephalopathy, 23 (DEE23). Also called: Epileptic encephalopathy, early infantile, 23. Identifiers: Orphanet 411986, MedGen C4014492, MONDO:0014371, OMIM 615859.

Submission:

Labcorp Genetics (formerly Invitae), Labcorp
Classification: Uncertain significance for Developmental and epileptic encephalopathy, 23. Last evaluated: 2020-08-11. Review status: criteria provided, single submitter. Criteria: Invitae Variant Classification Sherloc (09022015). Collection method: clinical testing. Allele origin: germline.
Comment: In summary, the available evidence is currently insufficient to determine the role of this variant in disease. Therefore, it has been classified as a Variant of Uncertain Significance. Algorithms developed to predict the effect of missense changes on protein structure and function (SIFT, PolyPhen-2, Align-GVGD) all suggest that this variant is likely to be tolerated, but these predictions have not been confirmed by published functional studies and their clinical significance is uncertain. This variant has not been reported in the literature in individuals with DOCK7-related conditions. This variant is not present in population databases (ExAC no frequency). This sequence change replaces glutamine with arginine at codon 1166 of the DOCK7 protein (p.Gln1166Arg). The glutamine residue is moderately conserved and there is a small physicochemical difference between glutamine and arginine.